The following is an entry in ClinVar:

NM_006231.4(POLE):c.3628C>G (p.Pro1210Ala)

Gene: POLE (DNA polymerase epsilon, catalytic subunit; minus strand). Cytogenetic location: 12q24.33.
Variant type: single nucleotide variant.
Coding change: c.3628C>G on transcript NM_006231.4 (MANE Select); coding-DNA position 3628, C replaced by G.
Protein change: p.Pro1210Ala; replaces proline 1210 with alanine.
Molecular consequence: missense variant.
Genome position (GRCh38, 1-based): chr12:132,649,844, G>C on the plus strand (C>G on the coding strand, the complement: POLE is on the minus strand). VCF-style: chr12-132649844-G-C. GRCh37 (hg19) VCF-style: chr12-133226430-G-C.
Other names: short protein forms P1210A.
Identifiers: ClinVar variation 1733375 (VCV001733375.2), dbSNP rs2042382961, ClinGen allele CA387386924.
Genomic context (GRCh38, chr12:132,649,844, plus strand): 5'-TCACAGTGACAGGGGCTGCTGGGTGAGGCAGCTTTACGAGGCCGAAGTCCTCCATGTCAG[G>C]AGCACTTGGCCTCGGACTGTCTTCTGAGGCCTCGGCCATCGTGACCTGGAAAGACCCAGT-3'
Protein context (NP_006222.2, residues 1200-1220): ASEDSPRPSA[Pro1210Ala]DMEDFGLVKL

ClinVar aggregate classification (germline): Uncertain significance (1 of 4 stars; one submission).

Conditions:
Hereditary cancer-predisposing syndrome. Also called: Neoplastic Syndromes, Hereditary; Tumor predisposition; Hereditary Cancer Syndrome; Hereditary neoplastic syndrome. Identifiers: Orphanet 140162, MedGen C0027672, MeSH D009386, MONDO:0015356.

gnomAD v4.1: 1 of 1,614,134 alleles (0.000062%); no homozygotes.

Submission:

Ambry Genetics
Classification: Uncertain significance for Hereditary cancer-predisposing syndrome. Last evaluated: 2022-08-22. Review status: criteria provided, single submitter. Criteria: Ambry Variant Classification Scheme 2023. Collection method: clinical testing. Allele origin: germline.
Comment: The p.P1210A variant (also known as c.3628C>G), located in coding exon 30 of the POLE gene, results from a C to G substitution at nucleotide position 3628. The proline at codon 1210 is replaced by alanine, an amino acid with highly similar properties. This amino acid position is conserved. In addition, this alteration is predicted to be tolerated by in silico analysis. Since supporting evidence is limited at this time, the clinical significance of this alteration remains unclear.